The following is an entry in ClinVar:

NM_014159.7(SETD2):c.3809C>T (p.Thr1270Met)

Gene: SETD2 (SET domain containing 2, histone lysine methyltransferase; minus strand). Cytogenetic location: 3p21.31.
Variant type: single nucleotide variant.
Coding change: c.3809C>T on transcript NM_014159.7 (MANE Select); coding-DNA position 3809, C replaced by T.
Protein change: p.Thr1270Met; replaces threonine 1270 with methionine.
Molecular consequence: missense variant. On other transcripts: non-coding transcript variant (1).
Genome position (GRCh38, 1-based): chr3:47,120,827, G>A on the plus strand (C>T on the coding strand, the complement: SETD2 is on the minus strand). VCF-style: chr3-47120827-G-A. GRCh37 (hg19) VCF-style: chr3-47162317-G-A.
Other names: c.3677C>T, p.Thr1226Met (NM_001349370.3); short protein forms T1270M, T1226M.
Identifiers: ClinVar variation 3708056 (VCV003708056.3).
Genomic context (GRCh38, chr3:47,120,827, plus strand): 5'-GCATTTTGCTGATACTTGTGTCCACCACAAGCTCCATAGCTACTGTCAGGTTGCTGATAC[G>A]TGGTAGAAGGCTTTTCTTGAGAGAAGTCCCAACCTAAGTTTCTGAGCTCTTCTGATGAGT-3'
Protein context (NP_054878.5, residues 1260-1280): WDFSQEKPST[Thr1270Met]YQQPDSSYGA

ClinVar aggregate classification (germline): Uncertain significance. Review status: criteria provided, multiple submitters, no conflicts (2 of 4 stars). 2 submissions from 2 submitters: Uncertain significance (2). Last evaluated 2025-09-05.

Conditions:
Inborn genetic diseases. Identifiers: MedGen C0950123, MeSH D030342.
Luscan-Lumish syndrome. Identifiers: Orphanet 597738, MedGen C4085873, MONDO:0014791, OMIM 616831.

gnomAD v4.1: 33 of 1,614,196 alleles (0.002%); highest among the groups gnomAD compares: Admixed American, 0.0033%; no homozygotes.

Submissions (2):

Labcorp Genetics (formerly Invitae), Labcorp
Classification: Uncertain significance for Luscan-Lumish syndrome. Last evaluated: 2025-09-05. Review status: criteria provided, single submitter. Criteria: Invitae Variant Classification Sherloc (09022015). Collection method: clinical testing. Allele origin: germline.
Comment: This sequence change replaces threonine, which is neutral and polar, with methionine, which is neutral and non-polar, at codon 1270 of the SETD2 protein (p.Thr1270Met). This variant is present in population databases (rs752087228, gnomAD 0.003%). This variant has not been reported in the literature in individuals affected with SETD2-related conditions. ClinVar contains an entry for this variant (Variation ID: 3708056). Invitae Evidence Modeling of protein sequence and biophysical properties (such as structural, functional, and spatial information, amino acid conservation, physicochemical variation, residue mobility, and thermodynamic stability) indicates that this missense variant is expected to disrupt SETD2 protein function with a positive predictive value of 80%. In summary, the available evidence is currently insufficient to determine the role of this variant in disease. Therefore, it has been classified as a Variant of Uncertain Significance.

Ambry Genetics
Classification: Uncertain significance for Inborn genetic diseases. Last evaluated: 2025-03-17. Review status: criteria provided, single submitter. Criteria: Ambry Variant Classification Scheme 2023. Collection method: clinical testing. Allele origin: germline.